The following is an entry in ClinVar:

NM_005045.4(RELN):c.5529+147C>T

Gene: RELN (reelin; minus strand). Cytogenetic location: 7q22.1.
Variant type: single nucleotide variant.
Coding change: c.5529+147C>T on transcript NM_005045.4 (MANE Select); 147 bases into the intron after coding-DNA position 5529, C replaced by T.
Molecular consequence: intron variant.
Genome position (GRCh38, 1-based): chr7:103,561,385, G>A on the plus strand (C>T on the coding strand, the complement: RELN is on the minus strand). VCF-style: chr7-103561385-G-A. GRCh37 (hg19) VCF-style: chr7-103201832-G-A.
Other names: c.5529+147C>T (NM_173054.3).
Identifiers: ClinVar variation 674179 (VCV000674179.1), dbSNP rs362797, ClinGen allele CA163909987.

ClinVar aggregate classification (germline): Benign (1 of 4 stars; one submission).

Allele frequency attached by ClinVar (database versions not stated): 1000 Genomes Project 0.20248; 1000 Genomes Project 30x 0.20534; gnomAD exomes 0.23515; TOPMed 0.24120; gnomAD 0.24168 and 0.24483.
gnomAD v4.1: 176,185 of 744,238 alleles (24%); highest among the groups gnomAD compares: Middle Eastern, 31%; 22,012 homozygotes.

Submission:

GeneDx
Classification: Benign. Last evaluated: 2018-06-19. Review status: criteria provided, single submitter. Criteria: GeneDx Variant Classification (06012015). Collection method: clinical testing. Allele origin: germline. Affected: yes.
Comment: This variant is considered likely benign or benign based on one or more of the following criteria: it is a conservative change, it occurs at a poorly conserved position in the protein, it is predicted to be benign by multiple in silico algorithms, and/or has population frequency not consistent with disease.